The following is an entry in ClinVar:

ClinVar aggregate classification (germline): Conflicting classifications of pathogenicity. Review status: criteria provided, conflicting classifications (1 of 4 stars). 9 submissions from 9 submitters: Uncertain significance (5); Benign (1); Likely benign (2). 1 of the submissions does not count toward it. Last evaluated 2026-01-19.

Conditions:
Birt-Hogg-Dube syndrome. Also called: Birt Hogg Dubé syndrome. Identifiers: Orphanet 122, MedGen C0346010, MONDO:0800444.
Familial spontaneous pneumothorax (PSP). Identifiers: Orphanet 2903, MedGen C1868193, MONDO:0008259, OMIM 173600.
Nonpapillary renal cell carcinoma. Identifiers: Orphanet 422526, MedGen CN074294, MONDO:0007763, OMIM 144700.
Colorectal cancer. Also called: Malignant Colorectal Neoplasm; Colorectal cancer, somatic. Identifiers: MedGen C0346629, MONDO:0005575, OMIM 114500.
17p11.2 microduplication syndrome (PTLS). Also called: CHROMOSOME 17p11.2 DUPLICATION SYNDROME; Potocki-Lupski syndrome; Duplication 17p11.2 syndrome; Potocki-Lupski syndrome (dup(17)(p11.2p11.2)). Identifiers: Orphanet 1713, MedGen C2931246, MONDO:0012574, OMIM 610883.
Hereditary cancer-predisposing syndrome. Also called: Neoplastic Syndromes, Hereditary; Hereditary neoplastic syndrome; Tumor predisposition; Hereditary Cancer Syndrome. Identifiers: Orphanet 140162, MedGen C0027672, MeSH D009386, MONDO:0015356.
Birt-Hogg-Dube syndrome 1 (BHD1). Also called: FIBROFOLLICULOMAS WITH TRICHODISCOMAS AND ACROCHORDONS. Identifiers: Orphanet 122, MedGen CN375946, MONDO:0800445, OMIM 135150.
FLCN-related disorder. Also called: FLCN-related condition.

Allele frequency attached by ClinVar (database versions not stated): ExAC 0.00007; gnomAD 0.00007; gnomAD exomes 0.00007 and 0.00004; TOPMed 0.00006.
gnomAD v4.1: 64 of 1,609,250 alleles (0.004%); highest among the groups gnomAD compares: African/African-American, 0.024%; no homozygotes.

Submissions (9):

Labcorp Genetics (formerly Invitae), Labcorp
Classification: Uncertain significance for Birt-Hogg-Dube syndrome. Last evaluated: 2026-01-19. Review status: criteria provided, single submitter. Criteria: Invitae Variant Classification Sherloc (09022015). Collection method: clinical testing. Allele origin: germline.
Comment: This sequence change replaces arginine, which is basic and polar, with tryptophan, which is neutral and slightly polar, at codon 268 of the FLCN protein (p.Arg268Trp). This variant is present in population databases (rs762370059, gnomAD 0.03%), and has an allele count higher than expected for a pathogenic variant. This variant has not been reported in the literature in individuals affected with FLCN-related conditions. ClinVar contains an entry for this variant (Variation ID: 661706). Invitae Evidence Modeling of protein sequence and biophysical properties (such as structural, functional, and spatial information, amino acid conservation, physicochemical variation, residue mobility, and thermodynamic stability) indicates that this missense variant is expected to disrupt FLCN protein function with a positive predictive value of 80%. In summary, the available evidence is currently insufficient to determine the role of this variant in disease. Therefore, it has been classified as a Variant of Uncertain Significance.

Quest Diagnostics Nichols Institute San Juan Capistrano
Classification: Likely benign. Last evaluated: 2025-07-14. Review status: criteria provided, single submitter. Criteria: Quest Diagnostics criteria. Collection method: clinical testing. Allele origin: unknown.

Center for Genomic Medicine, Rigshospitalet, Copenhagen University Hospital
Classification: Uncertain significance. Last evaluated: 2025-03-04. Review status: criteria provided, single submitter. Criteria: ACMG Guidelines, 2015. Collection method: clinical testing. Allele origin: germline.

Myriad Genetics, Inc.
Classification: Likely benign for Birt-Hogg-Dube syndrome 1. Last evaluated: 2024-10-23. Review status: criteria provided, single submitter. Criteria: Myriad Autosomal Dominant, Autosomal Recessive and X-Linked Classification Criteria (2023). Collection method: clinical testing. Allele origin: unknown.
Comment: This variant is considered likely benign. This variant has been observed at a population frequency that is significantly greater than expected given the associated disease prevalence and penetrance.

GeneDx
Classification: Uncertain significance. Last evaluated: 2023-11-06. Review status: criteria provided, single submitter. Criteria: GeneDx Variant Classification Process June 2021. Collection method: clinical testing. Allele origin: germline. Affected: yes.
Comment: In silico analysis supports that this missense variant has a deleterious effect on protein structure/function; This variant is associated with the following publications: (PMID: 28481359, 31360874, 28873162)

Ambry Genetics
Classification: Benign for Hereditary cancer-predisposing syndrome. Last evaluated: 2023-05-26. Review status: criteria provided, single submitter. Criteria: Ambry Variant Classification Scheme 2023. Collection method: clinical testing. Allele origin: germline.

Fulgent Genetics
Classification: Uncertain significance for Colorectal cancer; Birt-Hogg-Dube syndrome 1; Nonpapillary renal cell carcinoma; Familial spontaneous pneumothorax; 17p11.2 microduplication syndrome. Last evaluated: 2022-05-10. Review status: criteria provided, single submitter. Criteria: ACMG Guidelines, 2015. Collection method: clinical testing. Allele origin: unknown.

Breakthrough Genomics
Classification: Uncertain significance. Review status: criteria provided, single submitter. Criteria: ACMG Guidelines, 2015. Collection method: not provided. Allele origin: germline. Inheritance: Autosomal dominant inheritance. Affected: yes.

PreventionGenetics, part of Exact Sciences
Classification: Uncertain significance for FLCN-related condition. Last evaluated: 2023-12-05. Review status: no assertion criteria provided. Collection method: clinical testing. Allele origin: germline. Not counted in ClinVar's aggregate classification.
Comment: The FLCN c.802C>T variant is predicted to result in the amino acid substitution p.Arg268Trp. This variant was reported as a variant of uncertain significance in a colorectal cancer cohort (supplemental data, Toh et al. 2018. PubMed ID: 31360874). This variant is reported in 0.029% of alleles in individuals of South Asian descent in gnomAD and has conflicting interpretations of pathogenicity in ClinVar ranging from benign to uncertain. At this time, the clinical significance of this variant is uncertain due to the absence of conclusive functional and genetic evidence.

NM_144997.7(FLCN):c.802C>T (p.Arg268Trp)

Gene: FLCN (folliculin; minus strand). Cytogenetic location: 17p11.2.
Variant type: single nucleotide variant.
Coding change: c.802C>T on transcript NM_144997.7 (MANE Select); coding-DNA position 802, C replaced by T.
Protein change: p.Arg268Trp; replaces arginine 268 with tryptophan.
Molecular consequence: missense variant.
Genome position (GRCh38, 1-based): chr17:17,221,606, G>A on the plus strand (C>T on the coding strand, the complement: FLCN is on the minus strand). VCF-style: chr17-17221606-G-A. GRCh37 (hg19) VCF-style: chr17-17124920-G-A.
Other names: c.802C>T (LRG_325t1, NM_144997.6); c.856C>T, p.Arg286Trp (NM_001353229.2); c.802C>T, p.Arg268Trp (NM_001353230.2, NM_001353231.2, NM_144606.7); short protein forms R286W, R268W.
Identifiers: ClinVar variation 661706 (VCV000661706.28), dbSNP rs762370059, ClinGen allele CA8416287.